The following is an entry in ClinVar:

NM_000052.7(ATP7A):c.2313G>C (p.Glu771Asp)

Gene: ATP7A (ATPase copper transporting alpha; plus strand). Cytogenetic location: Xq21.1.
Variant type: single nucleotide variant.
Coding change: c.2313G>C on transcript NM_000052.7 (MANE Select); coding-DNA position 2313, G replaced by C.
Protein change: p.Glu771Asp; replaces glutamic acid 771 with aspartic acid.
Molecular consequence: missense variant. On other transcripts: intron variant (1).
Genome position (GRCh38, 1-based): chrX:78,013,019, G>C. VCF-style: chrX-78013019-G-C. GRCh37 (hg19) VCF-style: chrX-77268516-G-C.
Other names: c.2172+1345G>C (NM_001282224.2); short protein forms E771D.
Identifiers: ClinVar variation 1308968 (VCV001308968.5), dbSNP rs1443260520, ClinGen allele CA413599200.
Genomic context (GRCh38, chrX:78,013,019, plus strand): 5'-GCTGGCAACCACCATTGCATTTGCCTACTCTTTGATTATTCTTCTAGTTGCAATGTATGA[G>C]AGAGCCAAAGTGAACCCTATTACTTTCTTTGACACACCCCCTATGCTGTTTGTGTTTATT-3'
Protein context (NP_000043.4, residues 761-781): SLIILLVAMY[Glu771Asp]RAKVNPITFF

ClinVar aggregate classification (germline): Conflicting classifications of pathogenicity. Review status: criteria provided, conflicting classifications (1 of 4 stars). 2 submissions from 2 submitters: Uncertain significance (1); Likely benign (1). Last evaluated 2024-02-11.

Conditions:
Menkes kinky-hair syndrome (MNK). Also called: Copper transport disease; Menkes Disease; Classic Menkes Disease. Identifiers: Orphanet 565, MedGen C0022716, MONDO:0010651, OMIM 309400.
Cutis laxa, X-linked (OHS). Also called: EDS IX; Occipital horn syndrome. Identifiers: Orphanet 198, MedGen C0268353, MONDO:0010572, OMIM 304150.
X-linked distal spinal muscular atrophy type 3. Also called: ATP7A-Related Distal Motor Neuropathy; SPINAL MUSCULAR ATROPHY, DISTAL, X-LINKED RECESSIVE; NEURONOPATHY, DISTAL HEREDITARY MOTOR, X-LINKED; NEUROPATHY, DISTAL HEREDITARY MOTOR, X-LINKED. Identifiers: Orphanet 139557, MedGen C1845359, MONDO:0010338, OMIM 300489.

Allele frequency attached by ClinVar (database versions not stated): gnomAD exomes 0.00001 and 0.00002; TOPMed 0.00001.
gnomAD v4.1: 22 of 1,211,051 alleles (0.0018%); highest among the groups gnomAD compares: Non-Finnish European, 0.0025%; no homozygotes.

Submissions (2):

Labcorp Genetics (formerly Invitae), Labcorp
Classification: Likely benign for X-linked distal spinal muscular atrophy type 3; Cutis laxa, X-linked; Menkes kinky-hair syndrome. Last evaluated: 2024-02-11. Review status: criteria provided, single submitter. Criteria: Invitae Variant Classification Sherloc (09022015). Collection method: clinical testing. Allele origin: germline.

GeneDx
Classification: Uncertain significance. Last evaluated: 2019-10-01. Review status: criteria provided, single submitter. Criteria: GeneDx Variant Classification Process June 2021. Collection method: clinical testing. Allele origin: germline. Affected: yes.
Comment: Not observed at a significant frequency in large population cohorts (Lek et al., 2016); In silico analysis, which includes protein predictors and evolutionary conservation, supports that this variant does not alter protein structure/function; Has not been previously published as pathogenic or benign to our knowledge; This variant is associated with the following publications: (PMID: 33151932)